The following is an entry in ClinVar:

NM_194248.3(OTOF):c.5813+15G>A

Gene: OTOF (otoferlin; minus strand). Cytogenetic location: 2p23.3.
Variant type: single nucleotide variant.
Coding change: c.5813+15G>A on transcript NM_194248.3 (MANE Select); 15 bases into the intron after coding-DNA position 5813, G replaced by A.
Molecular consequence: intron variant.
Genome position (GRCh38, 1-based): chr2:26,460,632, C>T on the plus strand (G>A on the coding strand, the complement: OTOF is on the minus strand). VCF-style: chr2-26460632-C-T. GRCh37 (hg19) VCF-style: chr2-26683500-C-T.
Other names: c.5813+15G>A (NM_001287489.2); c.3512+15G>A (NM_194323.3, NM_004802.4); c.3743+15G>A (NM_194322.3).
Identifiers: ClinVar variation 48270 (VCV000048270.9), dbSNP rs371649088, ClinGen allele CA142949.

ClinVar aggregate classification (germline): Likely benign. Review status: criteria provided, multiple submitters, no conflicts (2 of 4 stars). 3 submissions from 3 submitters: Likely benign (3). Last evaluated 2024-02-24.

Allele frequency attached by ClinVar (database versions not stated): TOPMed 0.00003; ExAC 0.00008; gnomAD 0.00010; ESP Exome Variant Server 0.00015.
gnomAD v4.1: 172 of 1,605,068 alleles (0.011%); highest among the groups gnomAD compares: Non-Finnish European, 0.014%; no homozygotes.

Submissions (3):

Labcorp Genetics (formerly Invitae), Labcorp
Classification: Likely benign. Last evaluated: 2024-02-24. Review status: criteria provided, single submitter. Criteria: Invitae Variant Classification Sherloc (09022015). Collection method: clinical testing. Allele origin: germline.

Blueprint Genetics
Classification: Likely benign. Last evaluated: 2023-06-13. Review status: criteria provided, single submitter. Criteria: ACMG Guidelines, 2015. Collection method: clinical testing. Allele origin: germline.

Laboratory for Molecular Medicine, Mass General Brigham Personalized Medicine
Classification: Likely benign. Last evaluated: 2012-05-29. Review status: criteria provided, single submitter. Criteria: LMM Criteria. Collection method: clinical testing. Allele origin: germline. Observed: 1 variant allele.
Comment: 5813+15G>A in intron 45 of OTOF: This variant is not expected to have clinical s ignificance because it is not located within the conserved region of the splice consensus sequence.